The following is an entry in ClinVar:

ClinVar aggregate classification (germline): Uncertain significance. Review status: criteria provided, multiple submitters, no conflicts (2 of 4 stars). 2 submissions from 2 submitters: Uncertain significance (2). Last evaluated 2023-11-12.

Conditions:
Inborn genetic diseases. Identifiers: MedGen C0950123, MeSH D030342.

Allele frequency attached by ClinVar (database versions not stated): gnomAD 0.00001.
gnomAD v4.1: 7 of 1,608,900 alleles (0.00044%); highest among the groups gnomAD compares: African/African-American, 0.0027%; no homozygotes.

Submissions (2):

Labcorp Genetics (formerly Invitae), Labcorp
Classification: Uncertain significance. Last evaluated: 2023-11-12. Review status: criteria provided, single submitter. Criteria: Invitae Variant Classification Sherloc (09022015). Collection method: clinical testing. Allele origin: germline.
Comment: This sequence change replaces valine, which is neutral and non-polar, with methionine, which is neutral and non-polar, at codon 169 of the HOMER2 protein (p.Val169Met). This variant is not present in population databases (gnomAD no frequency). This variant has not been reported in the literature in individuals affected with HOMER2-related conditions. ClinVar contains an entry for this variant (Variation ID: 2328847). An algorithm developed to predict the effect of missense changes on protein structure and function (PolyPhen-2) suggests that this variant is likely to be disruptive. In summary, the available evidence is currently insufficient to determine the role of this variant in disease. Therefore, it has been classified as a Variant of Uncertain Significance.

Ambry Genetics
Classification: Uncertain significance for Inborn genetic diseases. Last evaluated: 2022-11-21. Review status: criteria provided, single submitter. Criteria: Ambry Variant Classification Scheme 2023. Collection method: clinical testing. Allele origin: germline.

NM_004839.4(HOMER2):c.505G>A (p.Val169Met)

Gene: HOMER2 (homer scaffold protein 2; minus strand). Cytogenetic location: 15q25.2.
Variant type: single nucleotide variant.
Coding change: c.505G>A on transcript NM_004839.4 (MANE Select); coding-DNA position 505, G replaced by A.
Protein change: p.Val169Met; replaces valine 169 with methionine.
Molecular consequence: missense variant.
Genome position (GRCh38, 1-based): chr15:82,854,790, C>T on the plus strand (G>A on the coding strand, the complement: HOMER2 is on the minus strand). VCF-style: chr15-82854790-C-T. GRCh37 (hg19) VCF-style: chr15-83523542-C-T.
Other names: c.538G>A, p.Val180Met (NM_199330.3); short protein forms V169M, V180M.
Identifiers: ClinVar variation 2328847 (VCV002328847.5), dbSNP rs2051515616, ClinGen allele CA393322481.